The following is an entry in ClinVar:

NM_003738.5(PTCH2):c.2357G>A (p.Arg786His)

Gene: PTCH2 (patched 2; minus strand). Cytogenetic location: 1p34.1.
Variant type: single nucleotide variant.
Coding change: c.2357G>A on transcript NM_003738.5 (MANE Select); coding-DNA position 2357, G replaced by A.
Protein change: p.Arg786His; replaces arginine 786 with histidine.
Molecular consequence: missense variant.
Genome position (GRCh38, 1-based): chr1:44,827,416, C>T on the plus strand (G>A on the coding strand, the complement: PTCH2 is on the minus strand). VCF-style: chr1-44827416-C-T. GRCh37 (hg19) VCF-style: chr1-45293088-C-T.
Other names: c.2357G>A, p.Arg786His (NM_001166292.2); short protein forms R786H.
Identifiers: ClinVar variation 4809013 (VCV004809013.1).

ClinVar aggregate classification (germline): Uncertain significance (1 of 4 stars; one submission).

Conditions:
Gorlin syndrome. Also called: Basal cell nevus syndrome; Nevoid Basal Cell Carcinoma Syndrome. Identifiers: Orphanet 377, MedGen C0004779, MONDO:0007187.

gnomAD v4.1: 9 of 1,614,014 alleles (0.00056%); highest among the groups gnomAD compares: East Asian, 0.0022%; no homozygotes.

Submission:

Labcorp Genetics (formerly Invitae), Labcorp
Classification: Uncertain significance for Gorlin syndrome. Last evaluated: 2025-09-24. Review status: criteria provided, single submitter. Criteria: Invitae Variant Classification Sherloc (09022015). Collection method: clinical testing. Allele origin: germline.
Comment: This sequence change replaces arginine, which is basic and polar, with histidine, which is basic and polar, at codon 786 of the PTCH2 protein (p.Arg786His). This variant is present in population databases (rs752986243, gnomAD 0.0009%). This variant has not been reported in the literature in individuals affected with PTCH2-related conditions. Invitae Evidence Modeling of protein sequence and biophysical properties (such as structural, functional, and spatial information, amino acid conservation, physicochemical variation, residue mobility, and thermodynamic stability) indicates that this missense variant is not expected to disrupt PTCH2 protein function with a negative predictive value of 80%. In summary, the available evidence is currently insufficient to determine the role of this variant in disease. Therefore, it has been classified as a Variant of Uncertain Significance.